The following is an entry in ClinVar:

NM_000059.4(BRCA2):c.3554_3563del (p.Thr1185fs)

Gene: BRCA2 (BRCA2 DNA repair associated; plus strand). Cytogenetic location: 13q13.1.
Variant type: Deletion.
Coding change: c.3554_3563del on transcript NM_000059.4 (MANE Select); coding-DNA positions 3554 to 3563, 10 bases deleted (CAGTTGAAAT; older notation c.3554_3563delCAGTTGAAAT).
Protein change: p.Thr1185fs; shifts the reading frame from threonine 1185.
Molecular consequence: frameshift variant.
Genome position (GRCh38, 1-based): chr13:32,337,909-32,337,918, CAGTTGAAAT deleted. VCF-style (leftmost placement, unchanged base first): chr13-32337908-ACAGTTGAAAT-A. GRCh37 (hg19) VCF-style: chr13-32912045-ACAGTTGAAAT-A.
Other names: c.3554_3563delCAGTTGAAAT (NM_000059.3); short protein forms T1185fs.
Identifiers: ClinVar variation 51486 (VCV000051486.11), dbSNP rs397507675, ClinGen allele CA018321.

ClinVar aggregate classification (germline): Pathogenic. Review status: reviewed by expert panel (3 of 4 stars). 4 submissions from 4 submitters: Pathogenic (1). 3 of the submissions do not count toward it. Last evaluated 2017-12-15.

Conditions:
Hereditary breast ovarian cancer syndrome. Also called: Hereditary breast and ovarian cancer syndrome; Hereditary breast and ovarian cancer; Hereditary breast and ovarian cancer syndrome (HBOC); Breast and ovarian cancer; Hereditary breast and/or ovarian cancer syndrome; BRCA1- and BRCA2-Associated Hereditary Breast and Ovarian Cancer. Identifiers: Orphanet 145, MedGen C0677776, MeSH D061325, MONDO:0003582. Disease mechanism: loss of function.
Breast-ovarian cancer, familial, susceptibility to, 2 (BROVCA2). Also called: BRCA2 Hereditary Breast and Ovarian Cancer. Identifiers: Orphanet 145, MedGen C2675520, MONDO:0012933, OMIM 612555. Disease mechanism: loss of function.
Hereditary cancer-predisposing syndrome. Also called: Neoplastic Syndromes, Hereditary; Tumor predisposition; Hereditary Cancer Syndrome; Hereditary neoplastic syndrome. Identifiers: Orphanet 140162, MedGen C0027672, MeSH D009386, MONDO:0015356.

Submissions (4):

Evidence-based Network for the Interpretation of Germline Mutant Alleles (ENIGMA)
Classification: Pathogenic for Breast-ovarian cancer, familial, susceptibility to, 2. Last evaluated: 2017-12-15. Review status: reviewed by expert panel. Criteria: ENIGMA BRCA1/2 Classification Criteria (2017-06-29). Collection method: curation. Allele origin: germline. Study: ENIGMA.
Comment: Variant allele predicted to encode a truncated non-functional protein.

Ambry Genetics
Classification: Pathogenic for Hereditary cancer-predisposing syndrome. Last evaluated: 2025-01-07. Review status: criteria provided, single submitter. Criteria: Ambry Variant Classification Scheme 2023. Collection method: clinical testing. Allele origin: germline. Not counted in ClinVar's aggregate classification.
Comment: The c.3554_3563del10 pathogenic mutation, located in coding exon 10 of the BRCA2 gene, results from a deletion of 10 nucleotides at nucleotide positions 3554 to 3563, causing a translational frameshift with a predicted alternate stop codon (p.T1185Ifs*9). This mutation (also designated as 3782del10 and c.3554_3563delCAGTTGAAAT in published literature) has been reported in several cohorts of Greek breast cancer patients (Koumpis C et al. Hered Cancer Clin Pract, 2011 Nov;9:10; Apessos A et al. Cancer Genet, 2018 Jan;220:1-12; Fostira F et al. J Med Genet, 2020 Jan;57:53-61). This variant is considered to be rare based on population cohorts in the Genome Aggregation Database (gnomAD). In addition to the clinical data presented in the literature, this alteration is expected to result in loss of function by premature protein truncation or nonsense-mediated mRNA decay. As such, this alteration is interpreted as a disease-causing mutation.

Labcorp Genetics (formerly Invitae), Labcorp
Classification: Pathogenic for Hereditary breast ovarian cancer syndrome. Last evaluated: 2023-12-25. Review status: criteria provided, single submitter. Criteria: Invitae Variant Classification Sherloc (09022015). Collection method: clinical testing. Allele origin: germline. Not counted in ClinVar's aggregate classification.
Comment: This sequence change creates a premature translational stop signal (p.Thr1185Ilefs*9) in the BRCA2 gene. It is expected to result in an absent or disrupted protein product. Loss-of-function variants in BRCA2 are known to be pathogenic (PMID: 20104584). This variant is not present in population databases (gnomAD no frequency). This premature translational stop signal has been observed in individual(s) with breast cancer (PMID: 22085629). This variant is also known as c.3782del10. ClinVar contains an entry for this variant (Variation ID: 51486). For these reasons, this variant has been classified as Pathogenic.

GeneKor MSA
Classification: Pathogenic. Last evaluated: 2020-01-01. Review status: criteria provided, single submitter. Criteria: ACMG Guidelines, 2015. Collection method: clinical testing. Allele origin: germline. Not counted in ClinVar's aggregate classification.
Comment: This sequence change deletes 10 nucleotides from exon 11 of the BRCA2 mRNA causing a frameshift at codon 1185 and the creation of a premature translation stop signal 9 amino acid residues later. This is expected to result in an absent or disrupted protein product. This variant has been reported in the literature in a breast cancer patient (PMID: 22085629). The mutation database ClinVar contains entries for this variant (Variation ID: 51486).

Literature cited by the submitters: PubMed 22085629 (cited by Ambry Genetics and Labcorp Genetics (formerly Invitae), Labcorp); PubMed 29310832 (cited by Ambry Genetics); PubMed 31300551 (cited by Ambry Genetics); PubMed 20104584 (cited by Labcorp Genetics (formerly Invitae), Labcorp).